The following is an entry in ClinVar:

NC_000011.10:g.8039019G>A

Gene: TUB (TUB bipartite transcription factor; plus strand). Cytogenetic location: 11p15.4.
Variant type: single nucleotide variant.
Molecular consequence: missense variant (on NM_003320.5). On other transcripts: intron variant (4).
Genome position: GRCh38 VCF-style: chr11-8039019-G-A. GRCh37 (hg19) VCF-style: chr11-8060566-G-A.
Other names: c.146G>A, p.Arg49Gln (NM_003320.5); c.56+19661G>A (NM_001440538.1, NM_001440539.1, NM_001440540.1 and 1 more transcripts); short protein forms R49Q.
Identifiers: ClinVar variation 790407 (VCV000790407.20), dbSNP rs55648406, ClinGen allele CA5870824.
Genomic context (GRCh38, chr11:8,039,019, plus strand): 5'-CCATGGGATCTCAGCATTCAAAGCAGCACAGGAAACCTGGGCCCCTGAAACGGGGCCACC[G>A]AAGAGATCGGTAAGCTTTCAACATCCTGCCTTTAGCCCATGGGCCCAACCATTGCGTCAG-3'

ClinVar aggregate classification (germline): Benign/Likely benign. Review status: criteria provided, multiple submitters, no conflicts (2 of 4 stars). 7 submissions from 7 submitters: Benign (3); Likely benign (1). 3 of the submissions do not count toward it. Last evaluated 2026-02-02.

Allele frequency attached by ClinVar (database versions not stated): gnomAD exomes 0.00424 and 0.00356; ESP Exome Variant Server 0.00854; gnomAD 0.00652 and 0.00613; TOPMed 0.00687; ExAC 0.00385; 1000 Genomes Project 30x 0.00656; 1000 Genomes Project 0.00659.
gnomAD v4.1: 7,072 of 1,612,818 alleles (0.44%); highest among the groups gnomAD compares: African/African-American, 1.4%; 23 homozygotes.

Submissions (7):

Labcorp Genetics (formerly Invitae), Labcorp
Classification: Benign. Last evaluated: 2026-02-02. Review status: criteria provided, single submitter. Criteria: Invitae Variant Classification Sherloc (09022015). Collection method: clinical testing. Allele origin: germline.

CeGaT Center for Human Genetics Tuebingen
Classification: Benign. Last evaluated: 2026-02-01. Review status: criteria provided, single submitter. Criteria: CeGaT Center For Human Genetics Tuebingen Variant Classification Criteria Version 2. Collection method: clinical testing. Allele origin: germline. Affected: yes. Observed: 2 variant alleles.
Comment: TUB: BP4, BS1, BS2

Blueprint Genetics
Classification: Likely benign. Last evaluated: 2024-11-26. Review status: criteria provided, single submitter. Criteria: ACMG Guidelines, 2015. Collection method: clinical testing. Allele origin: germline.

Breakthrough Genomics
Classification: Benign. Review status: criteria provided, single submitter. Criteria: ACMG Guidelines, 2015. Collection method: not provided. Allele origin: germline. Inheritance: Autosomal recessive inheritance. Affected: yes.

Clinical Genetics DNA and cytogenetics Diagnostics Lab, Erasmus MC, Erasmus Medical Center
Classification: Benign. Review status: no assertion criteria provided. Collection method: clinical testing. Allele origin: germline. Affected: yes. Study: VKGL Data-share Consensus. Not counted in ClinVar's aggregate classification.

Clinical Genetics, Academic Medical Center
Classification: Benign. Review status: no assertion criteria provided. Collection method: clinical testing. Allele origin: germline. Affected: yes. Study: VKGL Data-share Consensus. Not counted in ClinVar's aggregate classification.

Genome Diagnostics Laboratory, University Medical Center Utrecht
Classification: Benign. Review status: no assertion criteria provided. Collection method: clinical testing. Allele origin: germline. Affected: yes. Study: VKGL Data-share Consensus. Not counted in ClinVar's aggregate classification.